The following is an entry in ClinVar:

NM_001271938.2(MEGF8):c.333C>T (p.Ile111=)

Gene: MEGF8 (multiple EGF like domains 8; plus strand). Cytogenetic location: 19q13.2.
Variant type: single nucleotide variant.
Coding change: c.333C>T on transcript NM_001271938.2 (MANE Select); coding-DNA position 333, C replaced by T.
Protein change: p.Ile111=; no amino-acid change (isoleucine 111 retained).
Molecular consequence: synonymous variant.
Genome position (GRCh38, 1-based): chr19:42,333,750, C>T. VCF-style: chr19-42333750-C-T. GRCh37 (hg19) VCF-style: chr19-42837902-C-T.
Other names: c.333C>T, p.Ile111= (NM_001410.3).
Identifiers: ClinVar variation 3670911 (VCV003670911.8).

ClinVar aggregate classification (germline): Benign/Likely benign. Review status: criteria provided, multiple submitters, no conflicts (2 of 4 stars). 3 submissions from 3 submitters: Benign (1); Likely benign (2). Last evaluated 2026-01-30.

Conditions:
MEGF8-related Carpenter syndrome. Also called: Carpenter syndrome 2. Identifiers: Orphanet 65759, MedGen C3554247, MONDO:0013998, OMIM 614976.

gnomAD v4.1: 647 of 1,613,896 alleles (0.04%); highest among the groups gnomAD compares: South Asian, 0.64%; 4 homozygotes.

Submissions (3):

Labcorp Genetics (formerly Invitae), Labcorp
Classification: Benign for MEGF8-related Carpenter syndrome. Last evaluated: 2026-01-30. Review status: criteria provided, single submitter. Criteria: Invitae Variant Classification Sherloc (09022015). Collection method: clinical testing. Allele origin: germline.

CeGaT Center for Human Genetics Tuebingen
Classification: Likely benign. Last evaluated: 2025-12-01. Review status: criteria provided, single submitter. Criteria: CeGaT Center For Human Genetics Tuebingen Variant Classification Criteria Version 2. Collection method: clinical testing. Allele origin: germline. Affected: yes. Observed: 1 variant allele.
Comment: MEGF8: BP4, BP7

Blueprint Genetics
Classification: Likely benign. Last evaluated: 2024-09-27. Review status: criteria provided, single submitter. Criteria: ACMG Guidelines, 2015. Collection method: clinical testing. Allele origin: germline.